The following is an entry in ClinVar:

ClinVar aggregate classification (germline): Likely benign. Review status: criteria provided, multiple submitters, no conflicts (2 of 4 stars). 2 submissions from 2 submitters: Likely benign (2). Last evaluated 2024-05-20.

Conditions:
Malignant hyperthermia, susceptibility to, 5 (MHS5). Also called: CACNA1S-Related Malignant Hyperthermia Susceptibility. Identifiers: Orphanet 423, MedGen C1866077, MONDO:0011163, OMIM 601887.
Hypokalemic periodic paralysis, type 1. Also called: HypoPP; Hypokalemic Periodic Paralysis Type 1 (AD). Identifiers: Orphanet 681, MedGen C3714580, MONDO:0042979, OMIM 170400.

Allele frequency attached by ClinVar (database versions not stated): gnomAD 0.00003; TOPMed 0.00004.
gnomAD v4.1: 5 of 1,612,774 alleles (0.00031%); highest among the groups gnomAD compares: African/African-American, 0.0053%; 1 homozygote.

Submissions (2):

Labcorp Genetics (formerly Invitae), Labcorp
Classification: Likely benign for Hypokalemic periodic paralysis, type 1; Malignant hyperthermia, susceptibility to, 5. Last evaluated: 2024-05-20. Review status: criteria provided, single submitter. Criteria: Invitae Variant Classification Sherloc (09022015). Collection method: clinical testing. Allele origin: germline.

All of Us Research Program, National Institutes of Health
Classification: Likely benign for Malignant hyperthermia, susceptibility to, 5. Last evaluated: 2023-06-26. Review status: criteria provided, single submitter. Criteria: ACMG Guidelines, 2015. Collection method: clinical testing. Allele origin: germline. Inheritance: Autosomal dominant inheritance. Observed: 1 variant allele, 1 heterozygote.
Comment: This study involves interpretation of variants in research participants for the purpose of population health screening. Participant phenotype was not available at the time of variant classification. Additional details can be found in publication PMID: 35346344, PMCID: PMC8962531

NM_000069.3(CACNA1S):c.2228-9T>C

Gene: CACNA1S (calcium voltage-gated channel subunit alpha1 S; minus strand). Cytogenetic location: 1q32.1.
Variant type: single nucleotide variant.
Coding change: c.2228-9T>C on transcript NM_000069.3 (MANE Select); 9 bases into the intron before coding-DNA position 2228, T replaced by C.
Molecular consequence: intron variant.
Genome position (GRCh38, 1-based): chr1:201,070,413, A>G on the plus strand (T>C on the coding strand, the complement: CACNA1S is on the minus strand). VCF-style: chr1-201070413-A-G. GRCh37 (hg19) VCF-style: chr1-201039541-A-G.
Identifiers: ClinVar variation 1520789 (VCV001520789.9), dbSNP rs1030557258, ClinGen allele CA35974048.